The following is an entry in ClinVar:

NM_020877.5(DNAH2):c.12696T>G (p.Phe4232Leu)

Gene: DNAH2 (dynein axonemal heavy chain 2; plus strand). Cytogenetic location: 17p13.1.
Variant type: single nucleotide variant.
Coding change: c.12696T>G on transcript NM_020877.5 (MANE Select); coding-DNA position 12696, T replaced by G.
Protein change: p.Phe4232Leu; replaces phenylalanine 4232 with leucine.
Molecular consequence: missense variant.
Genome position (GRCh38, 1-based): chr17:7,831,745, T>G. VCF-style: chr17-7831745-T-G. GRCh37 (hg19) VCF-style: chr17-7735063-T-G.
Other names: short protein forms F4232L.
Identifiers: ClinVar variation 3060227 (VCV003060227.2), dbSNP rs57985356, ClinGen allele CA8359806.
Genomic context (GRCh38, chr17:7,831,745, plus strand): 5'-AGGCATCCAGGGTCTCATCGTCATGTCTACAAGCCTGGAAGAGATTTTCAATTGCATCTT[T>G]GATGCCCATGTTCCTCCGCTCTGGGGAAAGGCAAGATTATACCATTGTTGATCCTTCTCC-3'
Protein context (NP_065928.2, residues 4222-4242): TSLEEIFNCI[Phe4232Leu]DAHVPPLWGK

ClinVar aggregate classification (germline): Benign (0 of 4 stars; one submission).

Conditions:
DNAH2-related disorder. Also called: DNAH2-related condition.

Allele frequency attached by ClinVar (database versions not stated): ESP Exome Variant Server 0.06535; gnomAD 0.08505; TOPMed 0.08979; gnomAD exomes 0.09935; ExAC 0.12271; 1000 Genomes Project 30x 0.14710; 1000 Genomes Project 0.15076.
gnomAD v4.1: 158,485 of 1,613,856 alleles (9.8%); highest among the groups gnomAD compares: East Asian, 27%; 10,377 homozygotes.

Submission:

PreventionGenetics, part of Exact Sciences
Classification: Benign for DNAH2-related condition. Last evaluated: 2019-03-14. Review status: no assertion criteria provided. Collection method: clinical testing. Allele origin: germline.
Comment: This variant is classified as benign based on ACMG/AMP sequence variant interpretation guidelines (Richards et al. 2015 PMID: 25741868, with internal and published modifications).